The following is an entry in ClinVar:

NM_003238.6(TGFB2):c.976T>C (p.Phe326Leu)

Gene: TGFB2 (transforming growth factor beta 2; plus strand). Cytogenetic location: 1q41.
Variant type: single nucleotide variant.
Coding change: c.976T>C on transcript NM_003238.6 (MANE Select); coding-DNA position 976, T replaced by C.
Protein change: p.Phe326Leu; replaces phenylalanine 326 with leucine.
Molecular consequence: missense variant. On other transcripts: non-coding transcript variant (2).
Genome position (GRCh38, 1-based): chr1:218,437,386, T>C. VCF-style: chr1-218437386-T-C. GRCh37 (hg19) VCF-style: chr1-218610728-T-C.
Other names: c.1060T>C, p.Phe354Leu (NM_001135599.4); short protein forms F326L, F354L.
Identifiers: ClinVar variation 957612 (VCV000957612.12), dbSNP rs1660005627, ClinGen allele CA344727482.
Genomic context (GRCh38, chr1:218,437,386, plus strand): 5'-TTTTTTTTTTTTAACAGAAATGTGCAGGATAATTGCTGCCTACGTCCACTTTACATTGAT[T>C]TCAAGAGGGATCTAGGGTGGAAATGGATACACGAACCCAAAGGGTACAATGCCAACTTCT-3'
Protein context (NP_003229.1, residues 316-336): NCCLRPLYID[Phe326Leu]KRDLGWKWIH

ClinVar aggregate classification (germline): Uncertain significance (1 of 4 stars; one submission).

Conditions:
Loeys-Dietz syndrome 4 (LDS4). Also called: ANEURYSM, AORTIC AND CEREBRAL, WITH ARTERIAL TORTUOSITY AND SKELETAL MANIFESTATIONS; TGFB2-Related Loeys-Dietz Syndrome. Identifiers: MedGen C3553762, MONDO:0013897, OMIM 614816.

Submission:

Labcorp Genetics (formerly Invitae), Labcorp
Classification: Uncertain significance for Loeys-Dietz syndrome 4. Last evaluated: 2019-08-16. Review status: criteria provided, single submitter. Criteria: Invitae Variant Classification Sherloc (09022015). Collection method: clinical testing. Allele origin: germline.
Comment: This sequence change replaces phenylalanine with leucine at codon 326 of the TGFB2 protein (p.Phe326Leu). The phenylalanine residue is highly conserved and there is a small physicochemical difference between phenylalanine and leucine. This variant is not present in population databases (ExAC no frequency). This variant has not been reported in the literature in individuals with TGFB2-related conditions. Algorithms developed to predict the effect of missense changes on protein structure and function are either unavailable or do not agree on the potential impact of this missense change (SIFT: "Deleterious"; PolyPhen-2: "Probably Damaging"; Align-GVGD: "Class C0"). In summary, the available evidence is currently insufficient to determine the role of this variant in disease. Therefore, it has been classified as a Variant of Uncertain Significance.